The following is an entry in ClinVar:

ClinVar aggregate classification (germline): Uncertain significance. Review status: criteria provided, multiple submitters, no conflicts (2 of 4 stars). 2 submissions from 2 submitters: Uncertain significance (2). Last evaluated 2024-10-07.

Allele frequency attached by ClinVar (database versions not stated): gnomAD 0.00002; TOPMed 0.00002; gnomAD exomes 0.00004 and 0.00008; ExAC 0.00005; ESP Exome Variant Server 0.00016.
gnomAD v4.1: 118 of 1,614,062 alleles (0.0073%); highest among the groups gnomAD compares: South Asian, 0.014%; no homozygotes.

Submissions (2):

Blueprint Genetics
Classification: Uncertain significance. Last evaluated: 2024-10-07. Review status: criteria provided, single submitter. Criteria: ACMG Guidelines, 2015. Collection method: clinical testing. Allele origin: germline.

Labcorp Genetics (formerly Invitae), Labcorp
Classification: Uncertain significance. Last evaluated: 2022-06-20. Review status: criteria provided, single submitter. Criteria: Invitae Variant Classification Sherloc (09022015). Collection method: clinical testing. Allele origin: germline.
Comment: Algorithms developed to predict the effect of missense changes on protein structure and function (SIFT, PolyPhen-2, Align-GVGD) all suggest that this variant is likely to be disruptive. In summary, the available evidence is currently insufficient to determine the role of this variant in disease. Therefore, it has been classified as a Variant of Uncertain Significance. ClinVar contains an entry for this variant (Variation ID: 1043830). This variant has not been reported in the literature in individuals affected with TRPM1-related conditions. This variant is present in population databases (rs377520227, gnomAD 0.02%). This sequence change replaces isoleucine, which is neutral and non-polar, with threonine, which is neutral and polar, at codon 481 of the TRPM1 protein (p.Ile481Thr).

NM_001252024.2(TRPM1):c.1508T>C (p.Ile503Thr)

Gene: TRPM1 (transient receptor potential cation channel subfamily M member 1; minus strand). Cytogenetic location: 15q13.3.
Variant type: single nucleotide variant.
Coding change: c.1508T>C on transcript NM_001252024.2 (MANE Select); coding-DNA position 1508, T replaced by C.
Protein change: p.Ile503Thr; replaces isoleucine 503 with threonine.
Molecular consequence: missense variant.
Genome position (GRCh38, 1-based): chr15:31,049,439, A>G on the plus strand (T>C on the coding strand, the complement: TRPM1 is on the minus strand). VCF-style: chr15-31049439-A-G. GRCh37 (hg19) VCF-style: chr15-31341642-A-G.
Other names: c.1559T>C, p.Ile520Thr (NM_001252020.2); c.1442T>C, p.Ile481Thr (NM_002420.6); short protein forms I520T, I481T, I503T.
Identifiers: ClinVar variation 1043830 (VCV001043830.7), dbSNP rs377520227, ClinGen allele CA7452545.